The following is an entry in ClinVar:

ClinVar aggregate classification (germline): Uncertain significance (1 of 4 stars; one submission).

Submission:

GeneDx
Classification: Uncertain significance. Last evaluated: 2023-02-16. Review status: criteria provided, single submitter. Criteria: GeneDx Variant Classification Process June 2021. Collection method: clinical testing. Allele origin: germline. Affected: yes.
Comment: Has not been previously published as pathogenic or benign to our knowledge; Not observed at significant frequency in large population cohorts (gnomAD); In silico analysis supports that this missense variant has a deleterious effect on protein structure/function

NM_001148.6(ANK2):c.3728C>T (p.Ser1243Leu)

Gene: ANK2 (ankyrin 2; plus strand). Cytogenetic location: 4q26.
Variant type: single nucleotide variant.
Coding change: c.3728C>T on transcript NM_001148.6 (MANE Select); coding-DNA position 3728, C replaced by T.
Protein change: p.Ser1243Leu; replaces serine 1243 with leucine.
Molecular consequence: missense variant.
Genome position (GRCh38, 1-based): chr4:113,336,713, C>T. VCF-style: chr4-113336713-C-T. GRCh37 (hg19) VCF-style: chr4-114257869-C-T.
Other names: c.3701C>T, p.Ser1234Leu (NM_001127493.3); c.3740C>T, p.Ser1247Leu (NM_001354225.2); c.3629C>T, p.Ser1210Leu (NM_001354228.2, NM_001354258.2); c.3707C>T, p.Ser1236Leu (NM_001354230.2); c.3770C>T, p.Ser1257Leu (NM_001354231.2, NM_001354242.2); c.3764C>T, p.Ser1255Leu (NM_001354232.2); c.3725C>T, p.Ser1242Leu (NM_001354235.2, NM_001354246.2, NM_001354265.2); c.3626C>T, p.Ser1209Leu (NM_001354236.2); and 31 more; short protein forms S1082L, S1115L, S1143L, S1148L, S1156L, S1168L, S1172L, S1176L.
Identifiers: ClinVar variation 2576862 (VCV002576862.1), dbSNP rs2503204399, ClinGen allele CA357938700.
Genomic context (GRCh38, chr4:113,336,713, plus strand): 5'-AACCTAGAAGAAGAAAATTCCACAAACCAATTACCATGACCATTCCTGTCCCCAAAGCTT[C>T]AAGTGATGTCATGTTGAATGGTTTTGGGGGAGATGCACCAACCTTAAGATTACTATGCAG-3'
Protein context (NP_001139.3, residues 1233-1253): ITMTIPVPKA[Ser1243Leu]SDVMLNGFGG